The following is an entry in ClinVar:

NM_001409.4(MEGF6):c.1983G>A (p.Thr661=)

Gene: MEGF6 (multiple EGF like domains 6; minus strand). Cytogenetic location: 1p36.32.
Variant type: single nucleotide variant.
Coding change: c.1983G>A on transcript NM_001409.4 (MANE Select); coding-DNA position 1983, G replaced by A.
Protein change: p.Thr661=; no amino-acid change (threonine 661 retained).
Molecular consequence: synonymous variant.
Genome position (GRCh38, 1-based): chr1:3,505,492, C>T on the plus strand (G>A on the coding strand, the complement: MEGF6 is on the minus strand). VCF-style: chr1-3505492-C-T. GRCh37 (hg19) VCF-style: chr1-3422056-C-T.
Other names: c.1668G>A, p.Thr556= (NM_001410718.1).
Identifiers: ClinVar variation 2638101 (VCV002638101.24), dbSNP rs377104156, ClinGen allele CA547019.

ClinVar aggregate classification (germline): Likely benign (1 of 4 stars; one submission).

Allele frequency attached by ClinVar (database versions not stated): gnomAD 0.00007; ESP Exome Variant Server 0.00008; TOPMed 0.00011.
gnomAD v4.1: 169 of 1,607,942 alleles (0.011%); highest among the groups gnomAD compares: South Asian, 0.077%; 1 homozygote.

Submission:

CeGaT Center for Human Genetics Tuebingen
Classification: Likely benign. Last evaluated: 2023-04-01. Review status: criteria provided, single submitter. Criteria: CeGaT Center For Human Genetics Tuebingen Variant Classification Criteria Version 2. Collection method: clinical testing. Allele origin: germline. Affected: yes. Observed: 1 variant allele.
Comment: MEGF6: BP4, BP7